The following is an entry in ClinVar:

ClinVar aggregate classification (germline): Uncertain significance (1 of 4 stars; one submission).

Submission:

GeneDx
Classification: Uncertain significance. Last evaluated: 2022-11-28. Review status: criteria provided, single submitter. Criteria: GeneDx Variant Classification Process June 2021. Collection method: clinical testing. Allele origin: germline. Affected: yes.
Comment: Not observed at significant frequency in large population cohorts (gnomAD); In silico analysis supports that this missense variant has a deleterious effect on protein structure/function; Has not been previously published as pathogenic or benign to our knowledge; This variant is associated with the following publications: (PMID: 28545555)

NM_152703.5(SAMD9L):c.1349C>A (p.Ser450Tyr)

Gene: SAMD9L (sterile alpha motif domain containing 9 like; minus strand). Cytogenetic location: 7q21.2.
Variant type: single nucleotide variant.
Coding change: c.1349C>A on transcript NM_152703.5 (MANE Select); coding-DNA position 1349, C replaced by A.
Protein change: p.Ser450Tyr; replaces serine 450 with tyrosine.
Molecular consequence: missense variant.
Genome position (GRCh38, 1-based): chr7:93,134,623, G>T on the plus strand (C>A on the coding strand, the complement: SAMD9L is on the minus strand). VCF-style: chr7-93134623-G-T. GRCh37 (hg19) VCF-style: chr7-92763936-G-T.
Other names: c.1349C>A, p.Ser450Tyr (NM_001303496.3, NM_001303497.3, NM_001303498.3 and 5 more transcripts); short protein forms S450Y.
Identifiers: ClinVar variation 2503223 (VCV002503223.1), dbSNP rs2535429146, ClinGen allele CA368197239.